The following is an entry in ClinVar:

NM_000428.3(LTBP2):c.3376C>A (p.Pro1126Thr)

Gene: LTBP2 (latent transforming growth factor beta binding protein 2; minus strand). Cytogenetic location: 14q24.3.
Variant type: single nucleotide variant.
Coding change: c.3376C>A on transcript NM_000428.3 (MANE Select); coding-DNA position 3376, C replaced by A.
Protein change: p.Pro1126Thr; replaces proline 1126 with threonine.
Molecular consequence: missense variant.
Genome position (GRCh38, 1-based): chr14:74,509,265, G>T on the plus strand (C>A on the coding strand, the complement: LTBP2 is on the minus strand). VCF-style: chr14-74509265-G-T. GRCh37 (hg19) VCF-style: chr14-74975968-G-T.
Other names: short protein forms P1126T.
Identifiers: ClinVar variation 1469440 (VCV001469440.6), dbSNP rs2139695839, ClinGen allele CA390389167.
Genomic context (GRCh38, chr14:74,509,265, plus strand): 5'-CATTTGTATCCTCTCCCACACAGAGGCTCATACCTTCACAGGAGTCACCCAGGGGGCTGG[G>T]CCGGTAGCCCCCATCGCAGTCCTTGCAGGAGAAGGAGCCAGCCGTGTTGGTGCAGACTCC-3'
Protein context (NP_000419.1, residues 1116-1136): SCKDCDGGYR[Pro1126Thr]SPLGDSCEDV

ClinVar aggregate classification (germline): Uncertain significance (1 of 4 stars; one submission).

Submission:

Labcorp Genetics (formerly Invitae), Labcorp
Classification: Uncertain significance. Last evaluated: 2025-09-02. Review status: criteria provided, single submitter. Criteria: Invitae Variant Classification Sherloc (09022015). Collection method: clinical testing. Allele origin: germline.
Comment: This sequence change replaces proline, which is neutral and non-polar, with threonine, which is neutral and polar, at codon 1126 of the LTBP2 protein (p.Pro1126Thr). This variant is not present in population databases (gnomAD no frequency). This variant has not been reported in the literature in individuals affected with LTBP2-related conditions. ClinVar contains an entry for this variant (Variation ID: 1469440). An algorithm developed to predict the effect of missense changes on protein structure and function (PolyPhen-2) suggests that this variant is likely to be disruptive. In summary, the available evidence is currently insufficient to determine the role of this variant in disease. Therefore, it has been classified as a Variant of Uncertain Significance.